The following is an entry in ClinVar:

ClinVar aggregate classification (germline): Uncertain significance. Review status: criteria provided, single submitter (1 of 4 stars). 3 submissions from 3 submitters: Uncertain significance (1). 2 of the submissions do not count toward it. Last evaluated 2023-06-06.

Conditions:
GFAP-related disorder. Also called: GFAP-related disorders; GFAP-related condition.
Alexander disease (ALXDRD). Also called: Alexander's disease. Identifiers: Orphanet 58, MedGen C0270726, MONDO:0008752, OMIM 203450.

Submissions (3):

PreventionGenetics, part of Exact Sciences
Classification: Uncertain significance for GFAP-related condition. Last evaluated: 2023-06-06. Review status: criteria provided, single submitter. Criteria: ACMG Guidelines, 2015. Collection method: clinical testing. Allele origin: germline.
Comment: The GFAP c.302T>C variant is predicted to result in the amino acid substitution p.Leu101Pro. This variant has been reported in an individual with adult-onset Alexander disease; functional studies showed it may affect the solubility of GFAP (Kaneko et al 2009. PubMed ID: 19412928). This variant has not been reported in a large population database, indicating this variant is rare. Although we suspect that this variant may be pathogenic, at this time, the clinical significance of this variant is uncertain due to the absence of conclusive functional and genetic evidence.

Epithelial Biology;  Institute of Medical Biology, Singapore
No classification provided. Review status: no classification provided. Collection method: not provided. Allele origin: not provided. Not counted in ClinVar's aggregate classification.

GeneReviews
No classification provided. Condition: Alexander disease. Review status: no classification provided. Collection method: literature only. Allele origin: germline. Affected: yes. Not counted in ClinVar's aggregate classification.

Literature cited by the submitters: PubMed 21533827 (cited by GeneReviews); PubMed 1941292 (cited by GeneReviews); NCBI Bookshelf NBK1172 (cited by GeneReviews).

NM_002055.5(GFAP):c.302T>C (p.Leu101Pro)

Gene: GFAP (glial fibrillary acidic protein; minus strand). Cytogenetic location: 17q21.31.
Variant type: single nucleotide variant.
Coding change: c.302T>C on transcript NM_002055.5 (MANE Select); coding-DNA position 302, T replaced by C.
Protein change: p.Leu101Pro; replaces leucine 101 with proline.
Molecular consequence: missense variant.
Genome position (GRCh38, 1-based): chr17:44,915,185, A>G on the plus strand (T>C on the coding strand, the complement: GFAP is on the minus strand). VCF-style: chr17-44915185-A-G. GRCh37 (hg19) VCF-style: chr17-42992553-A-G.
Other names: c.302T>C, p.Leu101Pro (NM_001131019.3, NM_001242376.3, NM_001363846.2); short protein forms L101P.
Identifiers: ClinVar variation 66481 (VCV000066481.4), dbSNP rs267607516, ClinGen allele CA217186.